The following is an entry in ClinVar:

ClinVar aggregate classification (germline): Uncertain significance. Review status: criteria provided, multiple submitters, no conflicts (2 of 4 stars). 2 submissions from 2 submitters: Uncertain significance (2). Last evaluated 2025-08-08.

Conditions:
KMT2D-related disorder. Also called: KMT2D-Related Disorders.

Submissions (2):

PreventionGenetics, part of Exact Sciences
Classification: Uncertain significance for KMT2D-related condition. Last evaluated: 2025-08-08. Review status: criteria provided, single submitter. Criteria: ACMG Guidelines, 2015. Collection method: clinical testing. Allele origin: germline.
Comment: The KMT2D c.8378_8389del12 variant is predicted to result in an in-frame deletion (p.Gly2793_Gln2796del). To our knowledge, this variant has not been reported in the literature. This variant is reported in 0.012% of alleles in individuals of African descent in gnomAD. At this time, the clinical significance of this variant is uncertain due to the absence of conclusive functional and genetic evidence.

GeneDx
Classification: Uncertain significance. Last evaluated: 2022-12-02. Review status: criteria provided, single submitter. Criteria: GeneDx Variant Classification Process June 2021. Collection method: clinical testing. Allele origin: germline. Affected: yes.
Comment: In-frame deletion of 4 amino acids in a non-repeat region; In silico analysis supports a deleterious effect on protein structure/function; Has not been previously published as pathogenic or benign to our knowledge

NM_003482.4(KMT2D):c.8378_8389del (p.Gly2793_Gln2796del)

Gene: KMT2D (lysine methyltransferase 2D; minus strand). Cytogenetic location: 12q13.12.
Variant type: Deletion.
Coding change: c.8378_8389del on transcript NM_003482.4 (MANE Select); coding-DNA positions 8378 to 8389, 12 bases deleted (GAGGCTCCCAAG).
Protein change: p.Gly2793_Gln2796del.
Molecular consequence: inframe deletion. On other transcripts: inframe indel (1).
Genome position (GRCh38, 1-based): chr12:49,038,967-49,038,978, CTTGGGAGCCTC deleted on the plus strand (GAGGCTCCCAAG on the coding strand, the reverse complement: KMT2D is on the minus strand); deleting any 12 consecutive bases within chr12:49,038,967-49,038,980 gives the same sequence; the c. name uses the placement nearest the transcript's 3' end. VCF-style (leftmost placement, unchanged base first): chr12-49038966-GCTTGGGAGCCTC-G. GRCh37 (hg19) VCF-style: chr12-49432749-GCTTGGGAGCCTC-G.
Other names: c.8376_8387delAGGAGGCTCCCA, p.Gly2793_Gln2796del (NM_003482.3); c.8378_8389del12 (NM_003482.3).
Identifiers: ClinVar variation 2504216 (VCV002504216.2), dbSNP rs770383513, ClinGen allele CA6546836.